The following is an entry in ClinVar:

ClinVar aggregate classification (germline): Benign. Review status: criteria provided, multiple submitters, no conflicts (2 of 4 stars). 6 submissions from 6 submitters: Benign (6). Last evaluated 2026-02-04.

Conditions:
Encephalopathy, acute, infection-induced (herpes-specific), susceptibility to, 1. Also called: Herpes simplex encephalitis, susceptibility to, 1. Identifiers: Orphanet 1930, MedGen C2750180, MONDO:0024563, OMIM 610551.

Allele frequency attached by ClinVar (database versions not stated): 1000 Genomes Project 30x 0.26874; gnomAD 0.27464 and 0.27189; ExAC 0.30072; gnomAD exomes 0.30189; ESP Exome Variant Server 0.27141; 1000 Genomes Project 0.27216; TOPMed 0.27387.
gnomAD v4.1: 487,359 of 1,613,800 alleles (30%); highest among the groups gnomAD compares: East Asian, 35%; 74,728 homozygotes.

Submissions (6):

Labcorp Genetics (formerly Invitae), Labcorp
Classification: Benign for Encephalopathy, acute, infection-induced (herpes-specific), susceptibility to, 1. Last evaluated: 2026-02-04. Review status: criteria provided, single submitter. Criteria: Invitae Variant Classification Sherloc (09022015). Collection method: clinical testing. Allele origin: germline.

Unidad de Genómica Garrahan, Hospital de Pediatría Garrahan
Classification: Benign. Last evaluated: 2024-01-24. Review status: criteria provided, single submitter. Criteria: ACMG Guidelines, 2015. Collection method: clinical testing. Allele origin: germline. Affected: no. Observed: 50 variant alleles.
Comment: This variant is classified as Benign based on local population frequency. This variant was detected in 53% of patients studied by a panel of primary immunodeficiencies. Number of patients: 50. Only high quality variants are reported.

Mayo Clinic Laboratories, Mayo Clinic
Classification: Benign. Last evaluated: 2022-09-06. Review status: criteria provided, single submitter. Criteria: ACMG Guidelines, 2015. Collection method: clinical testing. Allele origin: germline. Observed: 54 variant alleles.

GeneDx
Classification: Benign. Last evaluated: 2020-10-28. Review status: criteria provided, single submitter. Criteria: GeneDx Variant Classification Process June 2021. Collection method: clinical testing. Allele origin: germline. Affected: yes.

Laboratory for Molecular Medicine, Mass General Brigham Personalized Medicine
Classification: Benign. Last evaluated: 2016-03-28. Review status: criteria provided, single submitter. Criteria: LMM Criteria. Collection method: clinical testing. Allele origin: germline.
Comment: Variant identified in a genome or exome case(s) and assessed due to predicted null impact of the variant or pathogenic assertions in the literature or databases. Disclaimer: This variant has not undergone full assessment. The following are preliminary notes: MAF

Breakthrough Genomics
Classification: Benign. Review status: criteria provided, single submitter. Criteria: ACMG Guidelines, 2015. Collection method: not provided. Allele origin: germline. Inheritance: Autosomal dominant inheritance. Affected: yes.

NM_003265.3(TLR3):c.1377C>T (p.Phe459=)

Gene: TLR3 (toll like receptor 3; plus strand). Cytogenetic location: 4q35.1.
Variant type: single nucleotide variant.
Coding change: c.1377C>T on transcript NM_003265.3 (MANE Select); coding-DNA position 1377, C replaced by T.
Protein change: p.Phe459=; no amino-acid change (phenylalanine 459 retained).
Molecular consequence: synonymous variant.
Genome position (GRCh38, 1-based): chr4:186,083,063, C>T. VCF-style: chr4-186083063-C-T. GRCh37 (hg19) VCF-style: chr4-187004217-C-T.
Other names: p.Phe459=.
Identifiers: ClinVar variation 403543 (VCV000403543.19), dbSNP rs3775290, ClinGen allele CA3161400.